The following is an entry in ClinVar:

NM_006445.4(PRPF8):c.5862G>A (p.Leu1954=)

Gene: PRPF8 (pre-mRNA processing factor 8; minus strand). Cytogenetic location: 17p13.3.
Variant type: single nucleotide variant.
Coding change: c.5862G>A on transcript NM_006445.4 (MANE Select); coding-DNA position 5862, G replaced by A.
Protein change: p.Leu1954=; no amino-acid change (leucine 1954 retained).
Molecular consequence: synonymous variant.
Genome position (GRCh38, 1-based): chr17:1,655,475, C>T on the plus strand (G>A on the coding strand, the complement: PRPF8 is on the minus strand). VCF-style: chr17-1655475-C-T. GRCh37 (hg19) VCF-style: chr17-1558769-C-T.
Other names: c.5862G>A (NM_006445.3).
Identifiers: ClinVar variation 1564563 (VCV001564563.12), dbSNP rs200558108, ClinGen allele CA8271315.

ClinVar aggregate classification (germline): Likely benign. Review status: criteria provided, multiple submitters, no conflicts (2 of 4 stars). 3 submissions from 3 submitters: Likely benign (3). Last evaluated 2025-03-13.

Conditions:
Retinal dystrophy. Also called: Inherited retinal dystrophy. Identifiers: Orphanet 71862, MedGen C0854723, MeSH D058499, MONDO:0019118, HP:0000556.
PRPF8-related disorder. Also called: PRPF8-related condition.

Allele frequency attached by ClinVar (database versions not stated): gnomAD 0.00001 and 0.00003; gnomAD exomes 0.00002 and 0.00003; TOPMed 0.00002; ExAC 0.00006; 1000 Genomes Project 30x 0.00016; 1000 Genomes Project 0.00020.
gnomAD v4.1: 45 of 1,614,098 alleles (0.0028%); highest among the groups gnomAD compares: East Asian, 0.022%; no homozygotes.

Submissions (3):

PreventionGenetics, part of Exact Sciences
Classification: Likely benign for PRPF8-related condition. Last evaluated: 2025-03-13. Review status: criteria provided, single submitter. Criteria: ACMG Guidelines, 2015. Collection method: clinical testing. Allele origin: germline.
Comment: This variant is classified as likely benign based on ACMG/AMP sequence variant interpretation guidelines (Richards et al. 2015 PMID: 25741868, with internal and published modifications).

Labcorp Genetics (formerly Invitae), Labcorp
Classification: Likely benign. Last evaluated: 2024-01-29. Review status: criteria provided, single submitter. Criteria: Invitae Variant Classification Sherloc (09022015). Collection method: clinical testing. Allele origin: germline.

Dept Of Ophthalmology, Nagoya University
Classification: Likely benign for Retinal dystrophy. Last evaluated: 2023-10-01. Review status: criteria provided, single submitter. Criteria: Submitter's publication. Collection method: research. Allele origin: germline. Affected: yes.